The following is an entry in ClinVar:

ClinVar aggregate classification (germline): Uncertain significance. Review status: criteria provided, multiple submitters, no conflicts (2 of 4 stars). 3 submissions from 3 submitters: Uncertain significance (3). Last evaluated 2025-11-22.

Conditions:
Cardiovascular phenotype. Identifiers: MedGen CN230736.
Brugada syndrome. Also called: Sudden unexpected nocturnal death syndrome; Sudden unexplained nocturnal death syndrome; Sudden Unexplained Death Syndrome; Sudden Unexplained Nocturnal Death Syndrome (SUNDS). Identifiers: Orphanet 130, MedGen C1142166, MONDO:0015263.

Allele frequency attached by ClinVar (database versions not stated): gnomAD exomes below 0.00001 and 0.00002; gnomAD 0.00001 and 0.00002; TOPMed 0.00006.
gnomAD v4.1: 10 of 1,614,014 alleles (0.00062%); highest among the groups gnomAD compares: Admixed American, 0.013%; no homozygotes.

Submissions (3):

Labcorp Genetics (formerly Invitae), Labcorp
Classification: Uncertain significance for Brugada syndrome. Last evaluated: 2025-11-22. Review status: criteria provided, single submitter. Criteria: Invitae Variant Classification Sherloc (09022015). Collection method: clinical testing. Allele origin: germline.
Comment: This sequence change replaces asparagine, which is neutral and polar, with serine, which is neutral and polar, at codon 224 of the GPD1L protein (p.Asn224Ser). This variant is present in population databases (no rsID available, gnomAD 0.01%). This variant has not been reported in the literature in individuals affected with GPD1L-related conditions. ClinVar contains an entry for this variant (Variation ID: 1005549). Invitae Evidence Modeling of protein sequence and biophysical properties (such as structural, functional, and spatial information, amino acid conservation, physicochemical variation, residue mobility, and thermodynamic stability) indicates that this missense variant is not expected to disrupt GPD1L protein function with a negative predictive value of 80%. In summary, the available evidence is currently insufficient to determine the role of this variant in disease. Therefore, it has been classified as a Variant of Uncertain Significance.

Ambry Genetics
Classification: Uncertain significance for Cardiovascular phenotype. Last evaluated: 2025-05-15. Review status: criteria provided, single submitter. Criteria: Ambry Variant Classification Scheme 2023. Collection method: clinical testing. Allele origin: germline.
Comment: The p.N224S variant (also known as c.671A>G), located in coding exon 6 of the GPD1L gene, results from an A to G substitution at nucleotide position 671. The asparagine at codon 224 is replaced by serine, an amino acid with highly similar properties. This amino acid position is highly conserved in available vertebrate species. In addition, the in silico prediction for this alteration is inconclusive. Since supporting evidence is limited at this time, the clinical significance of this alteration remains unclear.

GeneDx
Classification: Uncertain significance. Last evaluated: 2025-04-28. Review status: criteria provided, single submitter. Criteria: GeneDx Variant Classification Process June 2021. Collection method: clinical testing. Allele origin: germline. Affected: yes.
Comment: Has not been previously published as pathogenic or benign to our knowledge; Not observed at significant frequency in large population cohorts (gnomAD); In silico analysis supports that this missense variant has a deleterious effect on protein structure/function

NM_015141.4(GPD1L):c.671A>G (p.Asn224Ser)

Gene: GPD1L (glycerol-3-phosphate dehydrogenase 1 like; plus strand). Cytogenetic location: 3p22.3.
Variant type: single nucleotide variant.
Coding change: c.671A>G on transcript NM_015141.4 (MANE Select); coding-DNA position 671, A replaced by G.
Protein change: p.Asn224Ser; replaces asparagine 224 with serine.
Molecular consequence: missense variant.
Genome position (GRCh38, 1-based): chr3:32,158,928, A>G. VCF-style: chr3-32158928-A-G. GRCh37 (hg19) VCF-style: chr3-32200420-A-G.
Other names: short protein forms N224S.
Identifiers: ClinVar variation 1005549 (VCV001005549.11), dbSNP rs1332344958, ClinGen allele CA351969039.